The following is an entry in ClinVar:

NM_000145.4(FSHR):c.517G>T (p.Val173Leu)

Gene: FSHR (follicle stimulating hormone receptor; minus strand). Cytogenetic location: 2p16.3.
Variant type: single nucleotide variant.
Coding change: c.517G>T on transcript NM_000145.4 (MANE Select); coding-DNA position 517, G replaced by T.
Protein change: p.Val173Leu; replaces valine 173 with leucine.
Molecular consequence: missense variant. On other transcripts: intron variant (1).
Genome position (GRCh38, 1-based): chr2:48,988,984, C>A on the plus strand (G>T on the coding strand, the complement: FSHR is on the minus strand). VCF-style: chr2-48988984-C-A. GRCh37 (hg19) VCF-style: chr2-49216123-C-A.
Other names: c.446+1582G>T (NM_181446.3); short protein forms V173L.
Identifiers: ClinVar variation 3517498 (VCV003517498.2).
Genomic context (GRCh38, chr2:48,988,984, plus strand): 5'-CACTAAATGAAAAATCAAATGTTACTCTGTTGGATTTTTTCCCCCTTACTTACAGAATCA[C>A]ACTTTCAAAGCTCAGCCCCACGAAAGAATTTCTTTCAATTGTGTGGATGTTTATGTTATC-3'
Protein context (NP_000136.2, residues 163-183): NSFVGLSFES[Val173Leu]ILWLNKNGIQ

ClinVar aggregate classification (germline): Uncertain significance. Review status: criteria provided, multiple submitters, no conflicts (2 of 4 stars). 2 submissions from 2 submitters: Uncertain significance (2). Last evaluated 2026-04-13.

Conditions:
FSHR-related disorder. Also called: FSHR-related disorders; FSHR-related condition.
Inborn genetic diseases. Identifiers: MedGen C0950123, MeSH D030342.

gnomAD v4.1: 23 of 1,613,464 alleles (0.0014%); highest among the groups gnomAD compares: African/African-American, 0.024%; no homozygotes.

Submissions (2):

PreventionGenetics, part of Exact Sciences
Classification: Uncertain significance for FSHR-related condition. Last evaluated: 2026-04-13. Review status: criteria provided, single submitter. Criteria: ACMG Guidelines, 2015. Collection method: clinical testing. Allele origin: germline.
Comment: The FSHR c.517G>T variant is predicted to result in the amino acid substitution p.Val173Leu. To our knowledge, this variant has not been reported in the literature. This variant is reported in 0.036% of alleles in individuals of African descent in gnomAD. At this time, the clinical significance of this variant is uncertain due to the absence of conclusive functional and genetic evidence.

Ambry Genetics
Classification: Uncertain significance for Inborn genetic diseases. Last evaluated: 2024-08-27. Review status: criteria provided, single submitter. Criteria: Ambry Variant Classification Scheme 2023. Collection method: clinical testing. Allele origin: germline.